The following is an entry in ClinVar:

NM_015047.3(EMC1):c.1354G>C (p.Val452Leu)

Genes: EMC1 (ER membrane protein complex subunit 1; minus strand), EMC1-AS1 (EMC1 antisense RNA 1; plus strand). Cytogenetic location: 1p36.13.
Variant type: single nucleotide variant.
Coding change: c.1354G>C on transcript NM_015047.3 (MANE Select); coding-DNA position 1354, G replaced by C.
Protein change: p.Val452Leu; replaces valine 452 with leucine.
Molecular consequence: missense variant.
Genome position (GRCh38, 1-based): chr1:19,235,208, C>G on the plus strand (G>C on the coding strand, the complement: EMC1 is on the minus strand). VCF-style: chr1-19235208-C-G. GRCh37 (hg19) VCF-style: chr1-19561702-C-G.
Other names: c.1351G>C, p.Val451Leu (NM_001271427.2, NM_001271428.2, NM_001375821.1); c.1288G>C, p.Val430Leu (NM_001271429.2); c.1354G>C, p.Val452Leu (NM_001375820.1); short protein forms V430L, V451L, V452L.
Identifiers: ClinVar variation 4779209 (VCV004779209.1).

ClinVar aggregate classification (germline): Uncertain significance (1 of 4 stars; one submission).

gnomAD v4.1: 2 of 1,613,794 alleles (0.00012%); highest among the groups gnomAD compares: East Asian, 0.0045%; no homozygotes.

Submission:

Labcorp Genetics (formerly Invitae), Labcorp
Classification: Uncertain significance. Last evaluated: 2025-10-15. Review status: criteria provided, single submitter. Criteria: Invitae Variant Classification Sherloc (09022015). Collection method: clinical testing. Allele origin: germline.
Comment: This sequence change replaces valine, which is neutral and non-polar, with leucine, which is neutral and non-polar, at codon 452 of the EMC1 protein (p.Val452Leu). This variant is present in population databases (rs759444198, gnomAD 0.02%). This variant has not been reported in the literature in individuals affected with EMC1-related conditions. Invitae Evidence Modeling of protein sequence and biophysical properties (such as structural, functional, and spatial information, amino acid conservation, physicochemical variation, residue mobility, and thermodynamic stability) indicates that this missense variant is expected to disrupt EMC1 protein function with a positive predictive value of 80%. In summary, the available evidence is currently insufficient to determine the role of this variant in disease. Therefore, it has been classified as a Variant of Uncertain Significance.